The following is an entry in ClinVar:

NM_002206.3(ITGA7):c.1807C>T (p.Arg603Trp)

Gene: ITGA7 (integrin subunit alpha 7; minus strand). Cytogenetic location: 12q13.2.
Variant type: single nucleotide variant.
Coding change: c.1807C>T on transcript NM_002206.3 (MANE Select); coding-DNA position 1807, C replaced by T.
Protein change: p.Arg603Trp; replaces arginine 603 with tryptophan.
Molecular consequence: missense variant.
Genome position (GRCh38, 1-based): chr12:55,696,363, G>A on the plus strand (C>T on the coding strand, the complement: ITGA7 is on the minus strand). VCF-style: chr12-55696363-G-A. GRCh37 (hg19) VCF-style: chr12-56090147-G-A.
Other names: c.1819C>T, p.Arg607Trp (NM_001144996.2); c.1528C>T, p.Arg510Trp (NM_001144997.2); c.1480C>T, p.Arg494Trp (NM_001367993.1); c.463C>T, p.Arg155Trp (NM_001367994.1); c.1789C>T, p.Arg597Trp (NM_001374465.1); c.1939C>T, p.Arg647Trp (NM_001410977.1); c.1801C>T, p.Arg601Trp (NM_001414029.1); c.1732C>T, p.Arg578Trp (NM_001414030.1); and 5 more; short protein forms R510W, R603W, R155W, R494W, R607W, R597W, R647W, R542W.
Identifiers: ClinVar variation 432405 (VCV000432405.7), dbSNP rs375836925, ClinGen allele CA6615827.

ClinVar aggregate classification (germline): Uncertain significance. Review status: criteria provided, multiple submitters, no conflicts (2 of 4 stars). 3 submissions from 3 submitters: Uncertain significance (3). Last evaluated 2025-02-11.

Conditions:
Congenital muscular dystrophy due to integrin alpha-7 deficiency. Also called: Congenital muscular dystrophy with integrin alpha-7 deficiency; Muscular dystrophy, congenital, due to ITGA7 deficiency; MYOPATHY, CONGENITAL, DUE TO INTEGRIN ALPHA-7 DEFICIENCY. Identifiers: Orphanet 34520, MedGen C2750786, MONDO:0013177, OMIM 613204.

Allele frequency attached by ClinVar (database versions not stated): gnomAD exomes 0.00003 and 0.00007; TOPMed 0.00004; ExAC 0.00005; gnomAD 0.00006; ESP Exome Variant Server 0.00008.
gnomAD v4.1: 113 of 1,593,246 alleles (0.0071%); highest among the groups gnomAD compares: Non-Finnish European, 0.0085%; no homozygotes.

Submissions (3):

GeneDx
Classification: Uncertain significance. Last evaluated: 2025-02-11. Review status: criteria provided, single submitter. Criteria: GeneDx Variant Classification Process June 2021. Collection method: clinical testing. Allele origin: germline. Affected: yes.
Comment: Not observed at significant frequency in large population cohorts (gnomAD); In silico analysis supports that this missense variant has a deleterious effect on protein structure/function; Has not been previously published as pathogenic or benign to our knowledge

Ambry Genetics
Classification: Uncertain significance. Last evaluated: 2023-11-06. Review status: criteria provided, single submitter. Criteria: Ambry Variant Classification Scheme 2023. Collection method: clinical testing. Allele origin: germline.

Labcorp Genetics (formerly Invitae), Labcorp
Classification: Uncertain significance for Congenital muscular dystrophy due to integrin alpha-7 deficiency. Last evaluated: 2022-06-20. Review status: criteria provided, single submitter. Criteria: Invitae Variant Classification Sherloc (09022015). Collection method: clinical testing. Allele origin: germline.
Comment: This sequence change replaces arginine, which is basic and polar, with tryptophan, which is neutral and slightly polar, at codon 603 of the ITGA7 protein (p.Arg603Trp). The frequency data for this variant in the population databases is considered unreliable, as metrics indicate poor data quality at this position in the gnomAD database. This variant has not been reported in the literature in individuals affected with ITGA7-related conditions. ClinVar contains an entry for this variant (Variation ID: 432405). Algorithms developed to predict the effect of missense changes on protein structure and function are either unavailable or do not agree on the potential impact of this missense change (SIFT: "Deleterious"; PolyPhen-2: "Probably Damaging"; Align-GVGD: "Class C0"). In summary, the available evidence is currently insufficient to determine the role of this variant in disease. Therefore, it has been classified as a Variant of Uncertain Significance.